The following is an entry in ClinVar:

ClinVar aggregate classification (germline): Benign/Likely benign. Review status: criteria provided, multiple submitters, no conflicts (2 of 4 stars). 5 submissions from 5 submitters: Benign (2); Likely benign (2). 1 of the submissions does not count toward it. Last evaluated 2025-12-24.

Conditions:
Autosomal recessive proximal renal tubular acidosis (PRTAO). Also called: PROXIMAL RENAL TUBULAR ACIDOSIS-OCULAR ANOMALY SYNDROME; RENAL TUBULAR ACIDOSIS, PROXIMAL, WITH OCULAR ABNORMALITIES AND MENTAL RETARDATION; RTA, PROXIMAL, AUTOSOMAL RECESSIVE; RENAL TUBULAR ACIDOSIS, PROXIMAL, WITH OCULAR ABNORMALITIES AND IMPAIRED INTELLECTUAL DEVELOPMENT. Identifiers: Orphanet 93607, MedGen C1970309, MONDO:0011422, OMIM 604278.

Allele frequency attached by ClinVar (database versions not stated): gnomAD exomes 0.00042 and 0.00071; ExAC 0.00081; 1000 Genomes Project 30x 0.00312; gnomAD 0.00319 and 0.00346; 1000 Genomes Project 0.00339; TOPMed 0.00343; ESP Exome Variant Server 0.00361.
gnomAD v4.1: 1,129 of 1,613,306 alleles (0.07%); highest among the groups gnomAD compares: African/African-American, 1.1%; 8 homozygotes.

Submissions (5):

Labcorp Genetics (formerly Invitae), Labcorp
Classification: Benign. Last evaluated: 2025-12-24. Review status: criteria provided, single submitter. Criteria: Invitae Variant Classification Sherloc (09022015). Collection method: clinical testing. Allele origin: germline.

Blueprint Genetics
Classification: Likely benign. Last evaluated: 2024-09-18. Review status: criteria provided, single submitter. Criteria: ACMG Guidelines, 2015. Collection method: clinical testing. Allele origin: germline.

Fulgent Genetics
Classification: Benign for Autosomal recessive proximal renal tubular acidosis. Last evaluated: 2021-08-02. Review status: criteria provided, single submitter. Criteria: ACMG Guidelines, 2015. Collection method: clinical testing. Allele origin: unknown.

Illumina Laboratory Services, Illumina
Classification: Likely benign for Autosomal recessive proximal renal tubular acidosis. Last evaluated: 2018-01-12. Review status: criteria provided, single submitter. Criteria: ICSL Variant Classification Criteria 13 December 2019. Collection method: clinical testing. Allele origin: germline.
Comment: This variant was observed in the ICSL laboratory as part of a predisposition screen in an ostensibly healthy population. It had not been previously curated by ICSL or reported in the Human Gene Mutation Database (HGMD: prior to June 1st, 2018), and was therefore a candidate for classification through an automated scoring system. Utilizing variant allele frequency, disease prevalence and penetrance estimates, and inheritance mode, an automated score was calculated to assess if this variant is too frequent to cause the disease. Based on the score and internal cut-off values, a variant classified as likely benign is not then subjected to further curation. The score for this variant resulted in a classification of likely benign for this disease.

Genetic Services Laboratory, University of Chicago
Classification: Likely benign. Last evaluated: 2022-11-03. Review status: no assertion criteria provided. Collection method: clinical testing. Allele origin: germline. Affected: no. Not counted in ClinVar's aggregate classification.

NM_001098484.3(SLC4A4):c.2436A>G (p.Lys812=)

Gene: SLC4A4 (solute carrier family 4 member 4; plus strand). Cytogenetic location: 4q13.3.
Variant type: single nucleotide variant.
Coding change: c.2436A>G on transcript NM_001098484.3 (MANE Select); coding-DNA position 2436, A replaced by G.
Protein change: p.Lys812=; no amino-acid change (lysine 812 retained).
Molecular consequence: synonymous variant.
Genome position (GRCh38, 1-based): chr4:71,534,382, A>G. VCF-style: chr4-71534382-A-G. GRCh37 (hg19) VCF-style: chr4-72400099-A-G.
Other names: c.2436A>G, p.Lys812= (NM_001134742.2); c.2304A>G, p.Lys768= (NM_003759.4).
Identifiers: ClinVar variation 710952 (VCV000710952.15), dbSNP rs34772799, ClinGen allele CA2955104.